The following is an entry in ClinVar:

NM_003024.3(ITSN1):c.2384G>A (p.Trp795Ter)

Gene: ITSN1 (intersectin 1; plus strand). Cytogenetic location: 21q22.11.
Variant type: single nucleotide variant.
Coding change: c.2384G>A on transcript NM_003024.3 (MANE Select); coding-DNA position 2384, G replaced by A.
Protein change: p.Trp795Ter; replaces tryptophan 795 with a stop codon.
Molecular consequence: nonsense.
Genome position (GRCh38, 1-based): chr21:33,811,039, G>A. VCF-style: chr21-33811039-G-A. GRCh37 (hg19) VCF-style: chr21-35183343-G-A.
Other names: c.2384G>A, p.Trp795Ter (NM_001001132.2, NM_001331008.2); c.2369G>A, p.Trp790Ter (NM_001331009.2, NM_001331010.2, NM_001331011.2); c.2258G>A, p.Trp753Ter (NM_001331012.2); short protein forms W753*, W790*, W795*.
Identifiers: ClinVar variation 5017448 (VCV005017448.1).

ClinVar aggregate classification (germline): Pathogenic (1 of 4 stars; one submission).

Submission:

GeneDx
Classification: Pathogenic. Last evaluated: 2026-03-24. Review status: criteria provided, single submitter. Criteria: GeneDx Variant Classification Process June 2021. Collection method: clinical testing. Allele origin: germline.
Comment: Nonsense variant predicted to result in protein truncation or nonsense mediated decay in a gene for which loss of function is a known mechanism of disease; Not observed at significant frequency in large population cohorts (gnomAD); Has not been previously published as pathogenic or benign to our knowledge